The following is an entry in ClinVar:

NM_000169.3(GLA):c.313A>T (p.Arg105Ter)

Genes: RPL36A-HNRNPH2 (RPL36A-HNRNPH2 readthrough; plus strand), GLA (galactosidase alpha; minus strand). Cytogenetic location: Xq22.1.
Variant type: single nucleotide variant.
Coding change: c.313A>T on transcript NM_000169.3 (MANE Select); coding-DNA position 313, A replaced by T.
Protein change: p.Arg105Ter; replaces arginine 105 with a stop codon.
Molecular consequence: nonsense. On other transcripts: non-coding transcript variant (3), intron variant (2).
Genome position (GRCh38, 1-based): chrX:101,403,867, T>A on the plus strand (A>T on the coding strand, the complement: GLA is on the minus strand). VCF-style: chrX-101403867-T-A. GRCh37 (hg19) VCF-style: chrX-100658855-T-A.
Other names: c.301-8069T>A (NM_001199973.2); c.178-8069T>A (NM_001199974.2); c.436A>T, p.Arg146Ter (NM_001406747.1, NM_001406749.1); c.313A>T, p.Arg105Ter (NM_001406748.1); short protein forms R105*, R146*.
Identifiers: ClinVar variation 3727983 (VCV003727983.2).

ClinVar aggregate classification (germline): Pathogenic (1 of 4 stars; one submission).

Conditions:
Fabry disease. Also called: Fabry's disease; ALPHA-GALACTOSIDASE A DEFICIENCY; ANDERSON-FABRY DISEASE; CERAMIDE TRIHEXOSIDASE DEFICIENCY; GLA DEFICIENCY; HEREDITARY DYSTOPIC LIPIDOSIS. Identifiers: Orphanet 324, MedGen C0002986, MONDO:0010526, OMIM 301500, HP:0001071. Disease mechanism: Fabry disease is due to inactivating mutations in the X-linked GLA gene resulting in deficiency of the enzyme Alpha Galactosidase-A., loss of function.

Submission:

Labcorp Genetics (formerly Invitae), Labcorp
Classification: Pathogenic for Fabry disease. Last evaluated: 2024-12-24. Review status: criteria provided, single submitter. Criteria: Invitae Variant Classification Sherloc (09022015). Collection method: clinical testing. Allele origin: germline.
Comment: This sequence change creates a premature translational stop signal (p.Arg105*) in the GLA gene. It is expected to result in an absent or disrupted protein product. Loss-of-function variants in GLA are known to be pathogenic (PMID: 10666480, 12175777). This variant is not present in population databases (gnomAD no frequency). This variant has not been reported in the literature in individuals affected with GLA-related conditions. For these reasons, this variant has been classified as Pathogenic.

Literature cited by the submitters: PubMed 10666480; PubMed 12175777.